The following is an entry in ClinVar:

NM_002282.3(KRT83):c.1059T>C (p.Ala353=)

Gene: KRT83 (keratin 83; minus strand). Cytogenetic location: 12q13.13.
Variant type: single nucleotide variant.
Coding change: c.1059T>C on transcript NM_002282.3 (MANE Select); coding-DNA position 1059, T replaced by C.
Protein change: p.Ala353=; no amino-acid change (alanine 353 retained).
Molecular consequence: synonymous variant.
Genome position (GRCh38, 1-based): chr12:52,316,096, A>G on the plus strand (T>C on the coding strand, the complement: KRT83 is on the minus strand). VCF-style: chr12-52316096-A-G. GRCh37 (hg19) VCF-style: chr12-52709880-A-G.
Identifiers: ClinVar variation 309503 (VCV000309503.15), dbSNP rs2852468, ClinGen allele CA6577403.

ClinVar aggregate classification (germline): Benign. Review status: criteria provided, multiple submitters, no conflicts (2 of 4 stars). 4 submissions from 4 submitters: Benign (4). Last evaluated 2026-02-04.

Conditions:
Monilethrix. Also called: Beaded hair. Identifiers: Orphanet 573, MedGen C0546966, MONDO:0008009, HP:0032470.

Allele frequency attached by ClinVar (database versions not stated): ESP Exome Variant Server 0.42611; gnomAD exomes 0.37117 and 0.40877; 1000 Genomes Project 0.37580; ExAC 0.37832; 1000 Genomes Project 30x 0.38367; gnomAD 0.41307 and 0.41728; TOPMed 0.41566.

Submissions (4):

Labcorp Genetics (formerly Invitae), Labcorp
Classification: Benign. Last evaluated: 2026-02-04. Review status: criteria provided, single submitter. Criteria: Invitae Variant Classification Sherloc (09022015). Collection method: clinical testing. Allele origin: germline.

GeneDx
Classification: Benign. Last evaluated: 2018-11-12. Review status: criteria provided, single submitter. Criteria: GeneDx Variant Classification Process June 2021. Collection method: clinical testing. Allele origin: germline. Affected: yes.

Illumina Laboratory Services, Illumina
Classification: Benign for Monilethrix-1. Last evaluated: 2018-01-13. Review status: criteria provided, single submitter. Criteria: ICSL Variant Classification Criteria 13 December 2019. Collection method: clinical testing. Allele origin: germline.
Comment: This variant was observed in the ICSL laboratory as part of a predisposition screen in an ostensibly healthy population. It had not been previously curated by ICSL or reported in the Human Gene Mutation Database (HGMD: prior to June 1st, 2018), and was therefore a candidate for classification through an automated scoring system. Utilizing variant allele frequency, disease prevalence and penetrance estimates, and inheritance mode, an automated score was calculated to assess if this variant is too frequent to cause the disease. Based on the score and internal cut-off values, a variant classified as benign is not then subjected to further curation. The score for this variant resulted in a classification of benign for this disease.

Breakthrough Genomics
Classification: Benign. Review status: criteria provided, single submitter. Criteria: ACMG Guidelines, 2015. Collection method: not provided. Allele origin: germline. Inheritance: Autosomal recessive inheritance. Affected: yes.